The following is an entry in ClinVar:

ClinVar aggregate classification (germline): Uncertain significance. Review status: criteria provided, multiple submitters, no conflicts (2 of 4 stars). 2 submissions from 2 submitters: Uncertain significance (2). Last evaluated 2021-09-15.

Conditions:
Methylmalonic aciduria and homocystinuria type cblF. Also called: VITAMIN B12 LYSOSOMAL RELEASE DEFECT; VITAMIN B12 STORAGE DISEASE; COBALAMIN F DISEASE; COBALAMIN, DEFECT IN LYSOSOMAL RELEASE OF; METHYLMALONIC ACIDEMIA AND HOMOCYSTINURIA, cblF TYPE; METHYLMALONIC ACIDURIA DUE TO VITAMIN B12-RELEASE DEFECT. Identifiers: Orphanet 79284, MedGen C1848578, MONDO:0010183, OMIM 277380.

Submissions (2):

Fulgent Genetics
Classification: Uncertain significance for Methylmalonic aciduria and homocystinuria type cblF. Last evaluated: 2021-09-15. Review status: criteria provided, single submitter. Criteria: ACMG Guidelines, 2015. Collection method: clinical testing. Allele origin: unknown.

Labcorp Genetics (formerly Invitae), Labcorp
Classification: Uncertain significance for Methylmalonic aciduria and homocystinuria type cblF. Last evaluated: 2021-04-16. Review status: criteria provided, single submitter. Criteria: Invitae Variant Classification Sherloc (09022015). Collection method: clinical testing. Allele origin: germline.
Comment: In summary, the available evidence is currently insufficient to determine the role of this variant in disease. Therefore, it has been classified as a Variant of Uncertain Significance. Algorithms developed to predict the effect of missense changes on protein structure and function are either unavailable or do not agree on the potential impact of this missense change (SIFT: "Deleterious"; PolyPhen-2: "Benign"; Align-GVGD: "Class C65"). This variant has not been reported in the literature in individuals with LMBRD1-related conditions. This variant is not present in population databases (ExAC no frequency). This sequence change replaces leucine with serine at codon 444 of the LMBRD1 protein (p.Leu444Ser). The leucine residue is highly conserved and there is a large physicochemical difference between leucine and serine.

NM_018368.4(LMBRD1):c.1331T>C (p.Leu444Ser)

Gene: LMBRD1 (LMBR1 domain containing 1; minus strand). Cytogenetic location: 6q13.
Variant type: single nucleotide variant.
Coding change: c.1331T>C on transcript NM_018368.4 (MANE Select); coding-DNA position 1331, T replaced by C.
Protein change: p.Leu444Ser; replaces leucine 444 with serine.
Molecular consequence: missense variant.
Genome position (GRCh38, 1-based): chr6:69,699,050, A>G on the plus strand (T>C on the coding strand, the complement: LMBRD1 is on the minus strand). VCF-style: chr6-69699050-A-G. GRCh37 (hg19) VCF-style: chr6-70408942-A-G.
Other names: c.1112T>C, p.Leu371Ser (NM_001363722.2, NM_001367271.1, NM_001367272.1); short protein forms L444S, L371S.
Identifiers: ClinVar variation 1429331 (VCV001429331.7), dbSNP rs2149843427, ClinGen allele CA364663575.